The following is an entry in ClinVar:

NM_172351.3(CD46):c.638A>T (p.Asn213Ile)

Gene: CD46 (CD46 molecule; plus strand). Cytogenetic location: 1q32.2.
Variant type: single nucleotide variant.
Coding change: c.638A>T on transcript NM_172351.3 (MANE Select); coding-DNA position 638, A replaced by T.
Protein change: p.Asn213Ile; replaces asparagine 213 with isoleucine.
Molecular consequence: missense variant.
Genome position (GRCh38, 1-based): chr1:207,761,411, A>T. VCF-style: chr1-207761411-A-T. GRCh37 (hg19) VCF-style: chr1-207934756-A-T.
Other names: c.638A>T, p.Asn213Ile (NM_002389.4, NM_153826.4, NM_172350.3 and 8 more transcripts); short protein forms N213I.
Identifiers: ClinVar variation 4291165 (VCV004291165.1).

ClinVar aggregate classification (germline): Uncertain significance (1 of 4 stars; one submission).

Conditions:
Atypical hemolytic-uremic syndrome. Identifiers: Orphanet 2134, MedGen C2931788, MONDO:0016244.

Submission:

Genomenon, Inc
Classification: Uncertain significance for Atypical hemolytic-uremic syndrome. Last evaluated: 2025-10-02. Review status: criteria provided, single submitter. Criteria: Genomenon Sequence Variant Interpretation Standards. Collection method: curation. Allele origin: germline. Affected: no.
Comment: CD46 p.Asn213Ile (c.638A>T) is a missense variant that changes the amino acid at residue 213 from Asparagine to Isoleucine. This variant has been reported in the published literature (PMID:23508668;25802092;26054645;27959629;34004375). It is absent or not present at a significant frequency in gnomAD. In silico models agree that this variant is not damaging. In conclusion, we classify CD46 p.Asn213Ile (c.638A>T) as a variant of uncertain significance.

Literature cited by the submitters: PubMed 23508668; PubMed 25802092; PubMed 26054645; PubMed 27959629; PubMed 34004375.